The following is an entry in ClinVar:

ClinVar aggregate classification (germline): Uncertain significance (1 of 4 stars; one submission).

Submission:

Labcorp Genetics (formerly Invitae), Labcorp
Classification: Uncertain significance. Last evaluated: 2023-07-30. Review status: criteria provided, single submitter. Criteria: Invitae Variant Classification Sherloc (09022015). Collection method: clinical testing. Allele origin: germline.
Comment: An algorithm developed to predict the effect of missense changes on protein structure and function (PolyPhen-2) suggests that this variant is likely to be disruptive. ClinVar contains an entry for this variant (Variation ID: 1475778). This variant has not been reported in the literature in individuals affected with RUSC2-related conditions. This variant is not present in population databases (gnomAD no frequency). This sequence change replaces valine, which is neutral and non-polar, with isoleucine, which is neutral and non-polar, at codon 24 of the RUSC2 protein (p.Val24Ile). In summary, the available evidence is currently insufficient to determine the role of this variant in disease. Therefore, it has been classified as a Variant of Uncertain Significance.

NM_014806.5(RUSC2):c.70G>A (p.Val24Ile)

Gene: RUSC2 (RUN and SH3 domain containing 2; plus strand). Cytogenetic location: 9p13.3.
Variant type: single nucleotide variant.
Coding change: c.70G>A on transcript NM_014806.5 (MANE Select); coding-DNA position 70, G replaced by A.
Protein change: p.Val24Ile; replaces valine 24 with isoleucine.
Molecular consequence: missense variant. On other transcripts: non-coding transcript variant (1), intron variant (1).
Genome position (GRCh38, 1-based): chr9:35,546,591, G>A. VCF-style: chr9-35546591-G-A. GRCh37 (hg19) VCF-style: chr9-35546588-G-A.
Other names: c.70G>A, p.Val24Ile (NM_001135999.2); c.-620-8469G>A (NM_001330740.2); short protein forms V24I.
Identifiers: ClinVar variation 1475778 (VCV001475778.6), dbSNP rs2132550732, ClinGen allele CA373325738.